The following is an entry in ClinVar:

NM_001145809.2(MYH14):c.3880C>G (p.Leu1294Val)

Gene: MYH14 (myosin heavy chain 14; plus strand). Cytogenetic location: 19q13.33.
Variant type: single nucleotide variant.
Coding change: c.3880C>G on transcript NM_001145809.2 (MANE Select); coding-DNA position 3880, C replaced by G.
Protein change: p.Leu1294Val; replaces leucine 1294 with valine.
Molecular consequence: missense variant.
Genome position (GRCh38, 1-based): chr19:50,278,137, C>G. VCF-style: chr19-50278137-C-G. GRCh37 (hg19) VCF-style: chr19-50781394-C-G.
Other names: c.3781C>G, p.Leu1261Val (NM_001077186.2); c.3757C>G, p.Leu1253Val (NM_024729.4); short protein forms L1253V, L1261V, L1294V.
Identifiers: ClinVar variation 1065006 (VCV001065006.8), dbSNP rs776801210, ClinGen allele CA9593360.

ClinVar aggregate classification (germline): Uncertain significance. Review status: criteria provided, multiple submitters, no conflicts (2 of 4 stars). 2 submissions from 2 submitters: Uncertain significance (2). Last evaluated 2022-03-16.

Conditions:
Hearing impairment. Also called: Impaired Hearing. Identifiers: MedGen C1384666, MONDO:0005365, HP:0000365.

Allele frequency attached by ClinVar (database versions not stated): TOPMed 0.00002; gnomAD exomes 0.00004 and 0.00001; ExAC 0.00001; gnomAD 0.00001.
gnomAD v4.1: 57 of 1,605,066 alleles (0.0036%); highest among the groups gnomAD compares: Non-Finnish European, 0.0044%; no homozygotes.

Submissions (2):

Labcorp Genetics (formerly Invitae), Labcorp
Classification: Uncertain significance. Last evaluated: 2022-03-16. Review status: criteria provided, single submitter. Criteria: Invitae Variant Classification Sherloc (09022015). Collection method: clinical testing. Allele origin: germline.
Comment: This sequence change replaces leucine, which is neutral and non-polar, with valine, which is neutral and non-polar, at codon 1253 of the MYH14 protein (p.Leu1253Val). In summary, the available evidence is currently insufficient to determine the role of this variant in disease. Therefore, it has been classified as a Variant of Uncertain Significance. Algorithms developed to predict the effect of missense changes on protein structure and function (SIFT, PolyPhen-2, Align-GVGD) all suggest that this variant is likely to be disruptive. ClinVar contains an entry for this variant (Variation ID: 1065006). This variant has not been reported in the literature in individuals affected with MYH14-related conditions. This variant is present in population databases (rs776801210, gnomAD 0.003%).

Department of Otolaryngology – Head & Neck Surgery, Cochlear Implant Center
Classification: Uncertain significance for Hearing impairment. Last evaluated: 2021-04-12. Review status: criteria provided, single submitter. Criteria: ClinGen HL ACMG Specifications v1. Collection method: clinical testing. Allele origin: germline. Affected: yes.
Comment: PM2_Moderate, BP4_Supporting